The following is an entry in ClinVar:

NM_133433.4(NIPBL):c.6070G>C (p.Ala2024Pro)

Gene: NIPBL (NIPBL cohesin loading factor; plus strand). Cytogenetic location: 5p13.2.
Variant type: single nucleotide variant.
Coding change: c.6070G>C on transcript NM_133433.4 (MANE Select); coding-DNA position 6070, G replaced by C.
Protein change: p.Ala2024Pro; replaces alanine 2024 with proline.
Molecular consequence: missense variant.
Genome position (GRCh38, 1-based): chr5:37,038,700, G>C. VCF-style: chr5-37038700-G-C. GRCh37 (hg19) VCF-style: chr5-37038802-G-C.
Other names: c.6070G>C, p.Ala2024Pro (NM_015384.5); short protein forms A2024P.
Identifiers: ClinVar variation 420740 (VCV000420740.2), dbSNP rs1064794672, ClinGen allele CA16618203.
Genomic context (GRCh38, chr5:37,038,700, plus strand): 5'-GCTTGCATAACCACTTTGTTCTTATTCAGCAAAATAAGACCCCAGCTCATGGTTAAACAT[G>C]CAATGACTATGCAACCATACCTTACCACTAAATGTAGTGTAAGTATAGAGCTGTCTTATT-3'
Protein context (NP_597677.2, residues 2014-2034): KIRPQLMVKH[Ala2024Pro]MTMQPYLTTK

ClinVar aggregate classification (germline): Likely pathogenic (1 of 4 stars; one submission).

Submission:

GeneDx
Classification: Likely pathogenic. Last evaluated: 2017-01-10. Review status: criteria provided, single submitter. Criteria: GeneDx Variant Classification (06012015). Collection method: clinical testing. Allele origin: germline. Affected: yes.
Comment: A novel A2024P variant that is likely pathogenic has been identified in the NIPBL gene. The A2024P variant has not been published as a pathogenic variant, nor has it been reported as a benign variant to our knowledge. It was not observed in approximately 6,500 individuals of European and African American ancestry in the NHLBI Exome Sequencing Project, indicating it is not a common benign variant in these populations. This substitution occurs at a position that is conserved across species and in silico analysis predicts this variant is probably damaging to the protein structure/function. The A2024P variant is a semi-conservative amino acid substitution, which may impact secondary protein structure as these residues differ in some properties. Additionally, this variant is apparently de novo. Therefore, this variant is likely pathogenic; however, the possibility that it is benign cannot be excluded.